The following is an entry in ClinVar:

NM_194248.3(OTOF):c.2163G>T (p.Gln721His)

Gene: OTOF (otoferlin; minus strand). Cytogenetic location: 2p23.3.
Variant type: single nucleotide variant.
Coding change: c.2163G>T on transcript NM_194248.3 (MANE Select); coding-DNA position 2163, G replaced by T.
Protein change: p.Gln721His; replaces glutamine 721 with histidine.
Molecular consequence: missense variant.
Genome position (GRCh38, 1-based): chr2:26,479,315, C>A on the plus strand (G>T on the coding strand, the complement: OTOF is on the minus strand). VCF-style: chr2-26479315-C-A. GRCh37 (hg19) VCF-style: chr2-26702183-C-A.
Other names: c.2163G>T, p.Gln721His (NM_001287489.2); short protein forms Q721H.
Identifiers: ClinVar variation 4976283 (VCV004976283.1).

ClinVar aggregate classification (germline): Uncertain significance (1 of 4 stars; one submission).

gnomAD v4.1: 2 of 1,612,224 alleles (0.00012%); highest among the groups gnomAD compares: Non-Finnish European, 0.000085%; no homozygotes.

Submission:

GeneDx
Classification: Uncertain significance. Last evaluated: 2026-02-09. Review status: criteria provided, single submitter. Criteria: GeneDx Variant Classification Process June 2021. Collection method: clinical testing. Allele origin: germline.
Comment: Not observed at significant frequency in large population cohorts (gnomAD); In silico analysis suggests that this missense variant does not alter protein structure/function; Has not been previously published as pathogenic or benign to our knowledge